The following is an entry in ClinVar:

ClinVar aggregate classification (germline): Benign (0 of 4 stars; one submission).

Conditions:
HK2-related disorder. Also called: HK2-related condition.

Allele frequency attached by ClinVar (database versions not stated): gnomAD 0.50612; gnomAD exomes 0.43779; 1000 Genomes Project 30x 0.51343; TOPMed 0.50930; ExAC 0.45117; 1000 Genomes Project 0.51158; ESP Exome Variant Server 0.52007.
gnomAD v4.1: 717,196 of 1,613,624 alleles (44%); highest among the groups gnomAD compares: African/African-American, 71%; 162,986 homozygotes.

Submission:

PreventionGenetics, part of Exact Sciences
Classification: Benign for HK2-related condition. Last evaluated: 2019-10-17. Review status: no assertion criteria provided. Collection method: clinical testing. Allele origin: germline.
Comment: This variant is classified as benign based on ACMG/AMP sequence variant interpretation guidelines (Richards et al. 2015 PMID: 25741868, with internal and published modifications).

NM_000189.5(HK2):c.2076C>T (p.Asn692=)

Gene: HK2 (hexokinase 2; plus strand). Cytogenetic location: 2p12.
Variant type: single nucleotide variant.
Coding change: c.2076C>T on transcript NM_000189.5 (MANE Select); coding-DNA position 2076, C replaced by T.
Protein change: p.Asn692=; no amino-acid change (asparagine 692 retained).
Molecular consequence: synonymous variant.
Genome position (GRCh38, 1-based): chr2:74,886,530, C>T. VCF-style: chr2-74886530-C-T. GRCh37 (hg19) VCF-style: chr2-75113657-C-T.
Other names: c.1992C>T, p.Asn664= (NM_001371525.2).
Identifiers: ClinVar variation 3059067 (VCV003059067.2), dbSNP rs2229626, ClinGen allele CA1731632.